The following is an entry in ClinVar:

NM_004656.4(BAP1):c.710G>A (p.Arg237His)

Gene: BAP1 (BRCA1 associated deubiquitinase 1; minus strand). Cytogenetic location: 3p21.1.
Variant type: single nucleotide variant.
Coding change: c.710G>A on transcript NM_004656.4 (MANE Select); coding-DNA position 710, G replaced by A.
Protein change: p.Arg237His; replaces arginine 237 with histidine.
Molecular consequence: missense variant.
Genome position (GRCh38, 1-based): chr3:52,406,326, C>T on the plus strand (G>A on the coding strand, the complement: BAP1 is on the minus strand). VCF-style: chr3-52406326-C-T. GRCh37 (hg19) VCF-style: chr3-52440342-C-T.
Other names: short protein forms R237H.
Identifiers: ClinVar variation 1347409 (VCV001347409.12), dbSNP rs751298953, ClinGen allele CA2437015.

ClinVar aggregate classification (germline): Uncertain significance. Review status: criteria provided, multiple submitters, no conflicts (2 of 4 stars). 4 submissions from 4 submitters: Uncertain significance (4). Last evaluated 2025-12-21.

Conditions:
Hereditary cancer-predisposing syndrome. Also called: Hereditary neoplastic syndrome; Tumor predisposition; Neoplastic Syndromes, Hereditary; Hereditary Cancer Syndrome. Identifiers: Orphanet 140162, MedGen C0027672, MeSH D009386, MONDO:0015356.
BAP1-related tumor predisposition syndrome (TPDS1). Also called: Tumor susceptibility linked to germline BAP1 mutations; TUMOR PREDISPOSITION SYNDROME 1; BAP1 tumor predisposition syndrome; COMMON Syndrome. Identifiers: Orphanet 289539, MedGen C3280492, MONDO:0013692, OMIM 614327.

Allele frequency attached by ClinVar (database versions not stated): gnomAD exomes below 0.00001; ExAC 0.00001.
gnomAD v4.1: 4 of 1,614,174 alleles (0.00025%); highest among the groups gnomAD compares: Middle Eastern, 0.016%; no homozygotes.

Submissions (4):

Labcorp Genetics (formerly Invitae), Labcorp
Classification: Uncertain significance for BAP1-related tumor predisposition syndrome. Last evaluated: 2025-12-21. Review status: criteria provided, single submitter. Criteria: Invitae Variant Classification Sherloc (09022015). Collection method: clinical testing. Allele origin: germline.
Comment: This sequence change replaces arginine, which is basic and polar, with histidine, which is basic and polar, at codon 237 of the BAP1 protein (p.Arg237His). This variant is present in population databases (rs751298953, gnomAD 0.0009%). This variant has not been reported in the literature in individuals affected with BAP1-related conditions. ClinVar contains an entry for this variant (Variation ID: 1347409). Invitae Evidence Modeling of protein sequence and biophysical properties (such as structural, functional, and spatial information, amino acid conservation, physicochemical variation, residue mobility, and thermodynamic stability) has been performed for this missense variant. However, the output from this modeling did not meet the statistical confidence thresholds required to predict the impact of this variant on BAP1 protein function. In summary, the available evidence is currently insufficient to determine the role of this variant in disease. Therefore, it has been classified as a Variant of Uncertain Significance.

Ambry Genetics
Classification: Uncertain significance for Hereditary cancer-predisposing syndrome. Last evaluated: 2024-09-30. Review status: criteria provided, single submitter. Criteria: Ambry Variant Classification Scheme 2023. Collection method: clinical testing. Allele origin: germline.
Comment: The p.R237H variant (also known as c.710G>A), located in coding exon 9 of the BAP1 gene, results from a G to A substitution at nucleotide position 710. The arginine at codon 237 is replaced by histidine, an amino acid with highly similar properties. This amino acid position is highly conserved in available vertebrate species. In addition, this alteration is predicted to be deleterious by in silico analysis. Since supporting evidence is limited at this time, the clinical significance of this alteration remains unclear.

Baylor Genetics
Classification: Uncertain significance for BAP1-related tumor predisposition syndrome. Last evaluated: 2024-01-24. Review status: criteria provided, single submitter. Criteria: ACMG Guidelines, 2015. Collection method: clinical testing. Allele origin: unknown.

Color Diagnostics, LLC DBA Color Health
Classification: Uncertain significance for Hereditary cancer-predisposing syndrome. Last evaluated: 2021-12-12. Review status: criteria provided, single submitter. Criteria: ACMG Guidelines, 2015. Collection method: clinical testing. Allele origin: germline.
Comment: This missense variant replaces arginine with histidine at codon 237 of the BAP1 protein. Computational prediction suggests that this variant may not impact protein structure and function (internally defined REVEL score threshold <= 0.5, PMID: 27666373). To our knowledge, functional studies have not been reported for this variant. This variant has not been reported in individuals affected with hereditary cancer in the literature. This variant has been identified in 1/251238 chromosomes in the general population by the Genome Aggregation Database (gnomAD). The available evidence is insufficient to determine the role of this variant in disease conclusively. Therefore, this variant is classified as a Variant of Uncertain Significance.